The following is an entry in ClinVar:

ClinVar aggregate classification (germline): Benign/Likely benign. Review status: criteria provided, multiple submitters, no conflicts (2 of 4 stars). 7 submissions from 7 submitters: Benign (2); Likely benign (5). Last evaluated 2025-11-12.

Conditions:
Hereditary cancer-predisposing syndrome. Also called: Neoplastic Syndromes, Hereditary; Hereditary neoplastic syndrome; Tumor predisposition; Hereditary Cancer Syndrome. Identifiers: Orphanet 140162, MedGen C0027672, MeSH D009386, MONDO:0015356.
Tuberous sclerosis syndrome (TSC). Also called: Tuberous sclerosis; Tuberous Sclerosis Complex. Identifiers: Orphanet 805, MedGen C0041341, MONDO:0001734.
Tuberous sclerosis 2 (TSC2). Identifiers: Orphanet 805, MedGen C1860707, MONDO:0013199, OMIM 613254.

Allele frequency attached by ClinVar (database versions not stated): gnomAD exomes below 0.00001; ExAC 0.00001; gnomAD 0.00001; TOPMed 0.00001.
gnomAD v4.1: 2 of 1,613,194 alleles (0.00012%); highest among the groups gnomAD compares: African/African-American, 0.0027%; no homozygotes.

Submissions (7):

Labcorp Genetics (formerly Invitae), Labcorp
Classification: Likely benign for Tuberous sclerosis 2. Last evaluated: 2025-11-12. Review status: criteria provided, single submitter. Criteria: Invitae Variant Classification Sherloc (09022015). Collection method: clinical testing. Allele origin: germline.

Color Diagnostics, LLC DBA Color Health
Classification: Likely benign for Tuberous sclerosis syndrome. Last evaluated: 2025-06-23. Review status: criteria provided, single submitter. Criteria: ACMG Guidelines, 2015. Collection method: clinical testing. Allele origin: germline.

Myriad Genetics, Inc.
Classification: Benign for Tuberous sclerosis 2. Last evaluated: 2025-05-15. Review status: criteria provided, single submitter. Criteria: Myriad Autosomal Dominant, Autosomal Recessive and X-Linked Classification Criteria (2023). Collection method: clinical testing. Allele origin: unknown.
Comment: This variant is considered benign. This variant is a silent/synonymous amino acid change and it is not expected to impact splicing.

Ambry Genetics
Classification: Likely benign for Hereditary cancer-predisposing syndrome. Last evaluated: 2023-02-04. Review status: criteria provided, single submitter. Criteria: Ambry Variant Classification Scheme 2023. Collection method: clinical testing. Allele origin: germline.

Genome-Nilou Lab
Classification: Benign for Tuberous sclerosis 2. Last evaluated: 2021-11-07. Review status: criteria provided, single submitter. Criteria: ACMG Guidelines, 2015. Collection method: clinical testing. Allele origin: germline. Affected: no.

Sema4
Classification: Likely benign for Hereditary cancer-predisposing syndrome. Last evaluated: 2021-05-20. Review status: criteria provided, single submitter. Criteria: Sema4 Curation Guidelines. Collection method: curation. Allele origin: germline.

GeneDx
Classification: Likely benign. Last evaluated: 2016-07-20. Review status: criteria provided, single submitter. Criteria: GeneDx Variant Classification (06012015). Collection method: clinical testing. Allele origin: germline. Affected: yes.
Comment: This variant is considered likely benign or benign based on one or more of the following criteria: it is a conservative change, it occurs at a poorly conserved position in the protein, it is predicted to be benign by multiple in silico algorithms, and/or has population frequency not consistent with disease.

NM_000548.5(TSC2):c.1800C>T (p.His600=)

Gene: TSC2 (TSC complex subunit 2; plus strand). Cytogenetic location: 16p13.3.
Variant type: single nucleotide variant.
Coding change: c.1800C>T on transcript NM_000548.5 (MANE Select); coding-DNA position 1800, C replaced by T.
Protein change: p.His600=; no amino-acid change (histidine 600 retained).
Molecular consequence: synonymous variant.
Genome position (GRCh38, 1-based): chr16:2,070,539, C>T. VCF-style: chr16-2070539-C-T. GRCh37 (hg19) VCF-style: chr16-2120540-C-T.
Other names: c.1800C>T, p.His600= (NM_001077183.3, NM_001114382.3, NM_001363528.2 and 3 more transcripts); c.1689C>T, p.His563= (NM_001318827.2); c.1653C>T, p.His551= (NM_001318829.2); c.1200C>T, p.His400= (NM_001318831.2); c.1833C>T, p.His611= (NM_001318832.2).
Identifiers: ClinVar variation 387908 (VCV000387908.17), dbSNP rs762782913, ClinGen allele CA033593.
Genomic context (GRCh38, chr16:2,070,539, plus strand): 5'-AAGCCACGCCACGCGTGTGTATGAGATGCTGGTCAGCCACATTCAGCTCCACTACAAGCA[C>T]AGCTACACCCTGCCAATCGCGAGCAGCATCCGGCTGCAGGTATGGTGGCTGGGGTTGCGC-3'
Protein context (NP_000539.2, residues 590-610): LVSHIQLHYK[His600=]SYTLPIASSI